The following is an entry in ClinVar:

NM_001045.6(SLC6A4):c.12G>A (p.Thr4=)

Gene: SLC6A4 (solute carrier family 6 member 4; minus strand). Cytogenetic location: 17q11.2.
Variant type: single nucleotide variant.
Coding change: c.12G>A on transcript NM_001045.6 (MANE Select); coding-DNA position 12, G replaced by A.
Protein change: p.Thr4=; no amino-acid change (threonine 4 retained).
Molecular consequence: synonymous variant.
Genome position (GRCh38, 1-based): chr17:30,221,947, C>T on the plus strand (G>A on the coding strand, the complement: SLC6A4 is on the minus strand). VCF-style: chr17-30221947-C-T. GRCh37 (hg19) VCF-style: chr17-28548965-C-T.
Identifiers: ClinVar variation 322541 (VCV000322541.7), dbSNP rs114814153, ClinGen allele CA8480520.

ClinVar aggregate classification (germline): Uncertain significance. Review status: criteria provided, single submitter (1 of 4 stars). 2 submissions from 2 submitters: Uncertain significance (1). 1 of the submissions does not count toward it. Last evaluated 2018-01-13.

Conditions:
Behavior disorder. Also called: Behavioral disorder. Identifiers: MedGen C0004930.
SLC6A4-related disorder. Also called: SLC6A4-related condition.

Allele frequency attached by ClinVar (database versions not stated): gnomAD exomes 0.00010 and 0.00014; ExAC 0.00020; ESP Exome Variant Server 0.00054; gnomAD 0.00056 and 0.00061; 1000 Genomes Project 0.00060; TOPMed 0.00061; 1000 Genomes Project 30x 0.00062.
gnomAD v4.1: 239 of 1,614,090 alleles (0.015%); highest among the groups gnomAD compares: African/African-American, 0.15%; no homozygotes.

Submissions (2):

Illumina Laboratory Services, Illumina
Classification: Uncertain significance for Behavior disorder. Last evaluated: 2018-01-13. Review status: criteria provided, single submitter. Criteria: ICSL Variant Classification Criteria 13 December 2019. Collection method: clinical testing. Allele origin: germline.

PreventionGenetics, part of Exact Sciences
Classification: Likely benign for SLC6A4-related condition. Last evaluated: 2019-06-04. Review status: no assertion criteria provided. Collection method: clinical testing. Allele origin: germline. Not counted in ClinVar's aggregate classification.
Comment: This variant is classified as likely benign based on ACMG/AMP sequence variant interpretation guidelines (Richards et al. 2015 PMID: 25741868, with internal and published modifications).